The following is an entry in ClinVar:

ClinVar aggregate classification (germline): Uncertain significance (1 of 4 stars; one submission).

Submission:

Labcorp Genetics (formerly Invitae), Labcorp
Classification: Uncertain significance. Last evaluated: 2025-02-26. Review status: criteria provided, single submitter. Criteria: Invitae Variant Classification Sherloc (09022015). Collection method: clinical testing. Allele origin: germline.
Comment: This sequence change replaces aspartic acid, which is acidic and polar, with glutamic acid, which is acidic and polar, at codon 115 of the MRAS protein (p.Asp115Glu). This variant is not present in population databases (gnomAD no frequency). This variant has not been reported in the literature in individuals affected with MRAS-related conditions. An algorithm developed to predict the effect of missense changes on protein structure and function (PolyPhen-2) suggests that this variant is likely to be disruptive. In summary, the available evidence is currently insufficient to determine the role of this variant in disease. Therefore, it has been classified as a Variant of Uncertain Significance.

NM_001085049.3(MRAS):c.345C>G (p.Asp115Glu)

Gene: MRAS (muscle RAS oncogene homolog; plus strand). Cytogenetic location: 3q22.3.
Variant type: single nucleotide variant.
Coding change: c.345C>G on transcript NM_001085049.3 (MANE Select); coding-DNA position 345, C replaced by G.
Protein change: p.Asp115Glu; replaces aspartic acid 115 with glutamic acid.
Molecular consequence: missense variant.
Genome position (GRCh38, 1-based): chr3:138,397,475, C>G. VCF-style: chr3-138397475-C-G. GRCh37 (hg19) VCF-style: chr3-138116317-C-G.
Other names: c.345C>G, p.Asp115Glu (NM_001252090.2, NM_012219.4); c.117C>G, p.Asp39Glu (NM_001252091.1, NM_001252092.2, NM_001252093.2); short protein forms D39E, D115E.
Identifiers: ClinVar variation 4713897 (VCV004713897.1).